The following is an entry in ClinVar:

NM_005619.5(RTN2):c.134A>T (p.Glu45Val)

Genes: OPA3-RTN2 (OPA3-RTN2 readthrough; minus strand), RTN2 (reticulon 2; minus strand). Cytogenetic location: 19q13.32.
Variant type: single nucleotide variant.
Coding change: c.134A>T on transcript NM_005619.5 (MANE Select); coding-DNA position 134, A replaced by T.
Protein change: p.Glu45Val; replaces glutamic acid 45 with valine.
Molecular consequence: missense variant.
Genome position (GRCh38, 1-based): chr19:45,494,951, T>A on the plus strand (A>T on the coding strand, the complement: RTN2 is on the minus strand). VCF-style: chr19-45494951-T-A. GRCh37 (hg19) VCF-style: chr19-45998209-T-A.
Other names: c.134A>T, p.Glu45Val (NM_206900.3); short protein forms E45V.
Identifiers: ClinVar variation 2726933 (VCV002726933.3), dbSNP rs1319844986, ClinGen allele CA406362988.

ClinVar aggregate classification (germline): Uncertain significance (1 of 4 stars; one submission).

Conditions:
Spastic paraplegia. Identifiers: MedGen C0037772, HP:0001258.

Allele frequency attached by ClinVar (database versions not stated): gnomAD exomes 0.00001.

Submission:

Labcorp Genetics (formerly Invitae), Labcorp
Classification: Uncertain significance for Spastic paraplegia. Last evaluated: 2022-11-19. Review status: criteria provided, single submitter. Criteria: Invitae Variant Classification Sherloc (09022015). Collection method: clinical testing. Allele origin: germline.
Comment: This variant has not been reported in the literature in individuals affected with RTN2-related conditions. This variant is present in population databases (no rsID available, gnomAD 0.003%). This sequence change replaces glutamic acid, which is acidic and polar, with valine, which is neutral and non-polar, at codon 45 of the RTN2 protein (p.Glu45Val). Algorithms developed to predict the effect of missense changes on protein structure and function are either unavailable or do not agree on the potential impact of this missense change (SIFT: "Tolerated"; PolyPhen-2: "Probably Damaging"; Align-GVGD: "Class C0"). In summary, the available evidence is currently insufficient to determine the role of this variant in disease. Therefore, it has been classified as a Variant of Uncertain Significance.